The following is an entry in ClinVar:

NM_020631.6(PLEKHG5):c.1999A>G (p.Ser667Gly)

Gene: PLEKHG5 (pleckstrin homology and RhoGEF domain containing G5; minus strand). Cytogenetic location: 1p36.31.
Variant type: single nucleotide variant.
Coding change: c.1999A>G on transcript NM_020631.6 (MANE Select); coding-DNA position 1999, A replaced by G.
Protein change: p.Ser667Gly; replaces serine 667 with glycine.
Molecular consequence: missense variant.
Genome position (GRCh38, 1-based): chr1:6,469,385, T>C on the plus strand (A>G on the coding strand, the complement: PLEKHG5 is on the minus strand). VCF-style: chr1-6469385-T-C. GRCh37 (hg19) VCF-style: chr1-6529445-T-C.
Other names: c.2110A>G, p.Ser704Gly (NM_001042663.3, NM_001265592.2); c.1999A>G, p.Ser667Gly (NM_001042664.2, NM_001042665.2, NM_001265594.3 and 1 more transcripts); c.2206A>G, p.Ser736Gly (NM_001265593.2); short protein forms S667G, S704G, S736G.
Identifiers: ClinVar variation 1965781 (VCV001965781.5), dbSNP rs760089855, ClinGen allele CA561286.

ClinVar aggregate classification (germline): Uncertain significance (1 of 4 stars; one submission).

Conditions:
Neuronopathy, distal hereditary motor, autosomal recessive 4. Also called: NEUROPATHY, DISTAL HEREDITARY MOTOR, AUTOSOMAL RECESSIVE 4; Autosomal recessive lower motor neuron disease with childhood onset. Identifiers: Orphanet 206580, MedGen C1970211, MONDO:0012608, OMIM 611067.
Charcot-Marie-Tooth disease recessive intermediate C. Also called: CHARCOT-MARIE-TOOTH NEUROPATHY, RECESSIVE INTERMEDIATE C. Identifiers: Orphanet 369867, MedGen C3809309, MONDO:0014154, OMIM 615376.

Allele frequency attached by ClinVar (database versions not stated): gnomAD exomes below 0.00001; TOPMed below 0.00001; ExAC 0.00001.
gnomAD v4.1: 1 of 1,614,154 alleles (0.000062%); highest among the groups gnomAD compares: Admixed American, 0.0017%; no homozygotes.

Submission:

Labcorp Genetics (formerly Invitae), Labcorp
Classification: Uncertain significance for Neuronopathy, distal hereditary motor, autosomal recessive 4; Charcot-Marie-Tooth disease recessive intermediate C. Last evaluated: 2022-05-31. Review status: criteria provided, single submitter. Criteria: Invitae Variant Classification Sherloc (09022015). Collection method: clinical testing. Allele origin: germline.
Comment: In summary, the available evidence is currently insufficient to determine the role of this variant in disease. Therefore, it has been classified as a Variant of Uncertain Significance. Algorithms developed to predict the effect of missense changes on protein structure and function are either unavailable or do not agree on the potential impact of this missense change (SIFT: "Deleterious"; PolyPhen-2: "Benign"; Align-GVGD: "Class C0"). This variant has not been reported in the literature in individuals affected with PLEKHG5-related conditions. This variant is present in population databases (rs760089855, gnomAD 0.006%). This sequence change replaces serine, which is neutral and polar, with glycine, which is neutral and non-polar, at codon 667 of the PLEKHG5 protein (p.Ser667Gly).